The following is an entry in ClinVar:

ClinVar aggregate classification (germline): Benign/Likely benign. Review status: criteria provided, multiple submitters, no conflicts (2 of 4 stars). 6 submissions from 6 submitters: Benign (1); Likely benign (5). Last evaluated 2025-12-29.

Conditions:
Hereditary cancer-predisposing syndrome. Also called: Hereditary neoplastic syndrome; Neoplastic Syndromes, Hereditary; Tumor predisposition; Hereditary Cancer Syndrome. Identifiers: Orphanet 140162, MedGen C0027672, MeSH D009386, MONDO:0015356.
Hereditary diffuse gastric adenocarcinoma (HDGC). Also called: DIFFUSE GASTRIC AND LOBULAR BREAST CANCER SYNDROME. Identifiers: Orphanet 26106, MedGen C1708349, MONDO:0007648, OMIM 137215.

Allele frequency attached by ClinVar (database versions not stated): gnomAD below 0.00001 and 0.00001; TOPMed below 0.00001; gnomAD exomes 0.00002 and 0.00004; ExAC 0.00007; 1000 Genomes Project 0.00020; 1000 Genomes Project 30x 0.00031.
gnomAD v4.1: 30 of 1,614,188 alleles (0.0019%); highest among the groups gnomAD compares: South Asian, 0.029%; no homozygotes.

Submissions (6):

Center for Genomic Medicine, Rigshospitalet, Copenhagen University Hospital
Classification: Likely benign. Last evaluated: 2025-12-29. Review status: criteria provided, single submitter. Criteria: ACMG Guidelines, 2015. Collection method: clinical testing. Allele origin: germline.
Comment: Classification criteria: BP7_supporting

Labcorp Genetics (formerly Invitae), Labcorp
Classification: Likely benign for Hereditary diffuse gastric adenocarcinoma. Last evaluated: 2025-12-17. Review status: criteria provided, single submitter. Criteria: Invitae Variant Classification Sherloc (09022015). Collection method: clinical testing. Allele origin: germline.

Myriad Genetics, Inc.
Classification: Benign for Hereditary diffuse gastric adenocarcinoma. Last evaluated: 2024-09-17. Review status: criteria provided, single submitter. Criteria: Myriad Autosomal Dominant, Autosomal Recessive and X-Linked Classification Criteria (2023). Collection method: clinical testing. Allele origin: unknown.
Comment: This variant is considered benign. This variant is a silent/synonymous amino acid change and it is not expected to impact splicing.

Color Diagnostics, LLC DBA Color Health
Classification: Likely benign for Hereditary cancer-predisposing syndrome. Last evaluated: 2018-05-10. Review status: criteria provided, single submitter. Criteria: ACMG Guidelines, 2015. Collection method: clinical testing. Allele origin: germline.

GeneDx
Classification: Likely benign. Last evaluated: 2018-02-26. Review status: criteria provided, single submitter. Criteria: GeneDx Variant Classification (06012015). Collection method: clinical testing. Allele origin: germline. Affected: yes.
Comment: This variant is considered likely benign or benign based on one or more of the following criteria: it is a conservative change, it occurs at a poorly conserved position in the protein, it is predicted to be benign by multiple in silico algorithms, and/or has population frequency not consistent with disease.

Ambry Genetics
Classification: Likely benign for Hereditary cancer-predisposing syndrome. Last evaluated: 2015-10-09. Review status: criteria provided, single submitter. Criteria: Ambry Variant Classification Scheme 2023. Collection method: clinical testing. Allele origin: germline.

NM_004360.5(CDH1):c.1059G>A (p.Glu353=)

Gene: CDH1 (cadherin 1; plus strand). Cytogenetic location: 16q22.1.
Variant type: single nucleotide variant.
Coding change: c.1059G>A on transcript NM_004360.5 (MANE Select); coding-DNA position 1059, G replaced by A.
Protein change: p.Glu353=; no amino-acid change (glutamic acid 353 retained).
Molecular consequence: synonymous variant. On other transcripts: 5 prime UTR variant (2).
Genome position (GRCh38, 1-based): chr16:68,812,185, G>A. VCF-style: chr16-68812185-G-A. GRCh37 (hg19) VCF-style: chr16-68846088-G-A.
Other names: c.1059G>A (LRG_301t1); c.1059G>A, p.Glu353= (NM_001317184.2); c.-557G>A (NM_001317185.2); c.-761G>A (NM_001317186.2).
Identifiers: ClinVar variation 463698 (VCV000463698.20), dbSNP rs537703872, ClinGen allele CA8129992.